The following is an entry in ClinVar:

NM_004168.4(SDHA):c.214dup (p.Ala72fs)

Gene: SDHA (succinate dehydrogenase complex flavoprotein subunit A; plus strand). Cytogenetic location: 5p15.33.
Variant type: Duplication.
Coding change: c.214dup on transcript NM_004168.4 (MANE Select); coding-DNA position 214, one base duplicated (G; older notation c.214dupG).
Protein change: p.Ala72fs; shifts the reading frame from alanine 72.
Molecular consequence: frameshift variant.
Genome position (GRCh38, 1-based): chr5:224,423, G duplicated; the last of 4 consecutive G bases (chr5:224,420-224,423); duplicating any one gives the same sequence. VCF-style (leftmost placement, unchanged base first): chr5-224419-A-AG. GRCh37 (hg19) VCF-style: chr5-224534-A-AG.
Other names: c.214dup, p.Ala72fs (NM_001294332.2, NM_001330758.2); short protein forms A72fs.
Identifiers: ClinVar variation 955420 (VCV000955420.8), dbSNP rs1734887425, ClinGen allele CA1139658718.

ClinVar aggregate classification (germline): Pathogenic (1 of 4 stars; one submission).

Conditions:
Mitochondrial complex II deficiency, nuclear type 1. Also called: SUCCINATE CoQ REDUCTASE DEFICIENCY. Identifiers: Orphanet 3208, MedGen C5700310, MONDO:0100294, OMIM 252011.
Pheochromocytoma/paraganglioma syndrome 5. Also called: Paragangliomas 5; SDHA-Related Hereditary Paraganglioma-Pheochromocytoma Syndrome. Identifiers: Orphanet 29072, MedGen C3279992, MONDO:0013602, OMIM 614165.

Submission:

Labcorp Genetics (formerly Invitae), Labcorp
Classification: Pathogenic for Pheochromocytoma/paraganglioma syndrome 5; Mitochondrial complex II deficiency, nuclear type 1. Last evaluated: 2019-09-12. Review status: criteria provided, single submitter. Criteria: Invitae Variant Classification Sherloc (09022015). Collection method: clinical testing. Allele origin: germline.
Comment: This sequence change creates a premature translational stop signal (p.Ala72Glyfs*11) in the SDHA gene. It is expected to result in an absent or disrupted protein product. This variant is not present in population databases (ExAC no frequency). This variant has not been reported in the literature in individuals with SDHA-related conditions. Loss-of-function variants in SDHA are known to be pathogenic (PMID: 22974104, 24781757). For these reasons, this variant has been classified as Pathogenic.

Literature cited by the submitters: PubMed 22974104; PubMed 24781757.